The following is an entry in ClinVar:

NM_201596.3(CACNB2):c.215G>A (p.Gly72Asp)

Gene: CACNB2 (calcium voltage-gated channel auxiliary subunit beta 2; plus strand). Cytogenetic location: 10p12.31.
Variant type: single nucleotide variant.
Coding change: c.215G>A on transcript NM_201596.3 (MANE Select); coding-DNA position 215, G replaced by A.
Protein change: p.Gly72Asp; replaces glycine 72 with aspartic acid.
Molecular consequence: missense variant.
Genome position (GRCh38, 1-based): chr10:18,401,925, G>A. VCF-style: chr10-18401925-G-A. GRCh37 (hg19) VCF-style: chr10-18690854-G-A.
Other names: c.50G>A, p.Gly17Asp (NM_000724.4, NM_001330060.2); c.131G>A, p.Gly44Asp (NM_001167945.2, NM_201571.4, NM_201572.4); c.71G>A, p.Gly24Asp (NM_001410882.1, NM_201570.3); c.53G>A, p.Gly18Asp (NM_201590.3); c.215G>A, p.Gly72Asp (NM_201593.3, NM_201597.3); short protein forms G72D, G18D, G44D, G17D, G24D.
Identifiers: ClinVar variation 4613785 (VCV004613785.1).

ClinVar aggregate classification (germline): Uncertain significance (1 of 4 stars; one submission).

Conditions:
Cardiovascular phenotype. Identifiers: MedGen CN230736.

Submission:

Ambry Genetics
Classification: Uncertain significance for Cardiovascular phenotype. Last evaluated: 2025-10-27. Review status: criteria provided, single submitter. Criteria: Ambry Variant Classification Scheme 2023. Collection method: clinical testing. Allele origin: germline.
Comment: The p.G18D variant (also known as c.53G>A), located in coding exon 2 of the CACNB2 gene, results from a G to A substitution at nucleotide position 53. The glycine at codon 18 is replaced by aspartic acid, an amino acid with similar properties. This amino acid position is conserved. In addition, this alteration is predicted to be deleterious by in silico analysis. Based on the available evidence, the clinical significance of this variant remains unclear.